The following is an entry in ClinVar:

NM_003227.4(TFR2):c.1286dup (p.Gly430fs)

Gene: TFR2 (transferrin receptor 2; minus strand). Cytogenetic location: 7q22.1.
Variant type: Duplication.
Coding change: c.1286dup on transcript NM_003227.4 (MANE Select); coding-DNA position 1286, one base duplicated (T; older notation c.1286dupT).
Protein change: p.Gly430fs; shifts the reading frame from glycine 430.
Molecular consequence: frameshift variant.
Genome position (GRCh38, 1-based): chr7:100,629,357, A duplicated on the plus strand (T on the coding strand, the reverse complement: TFR2 is on the minus strand). VCF-style (leftmost placement, unchanged base first): chr7-100629356-G-GA. GRCh37 (hg19) VCF-style: chr7-100226979-G-GA.
Other names: c.773dup, p.Gly259fs (NM_001206855.3); short protein forms G259fs, G430fs.
Identifiers: ClinVar variation 2151820 (VCV002151820.4), dbSNP rs1803363753, ClinGen allele CA1105039016.

ClinVar aggregate classification (germline): Pathogenic (1 of 4 stars; one submission).

Conditions:
Hereditary hemochromatosis (HFE). Identifiers: MedGen C0392514, MONDO:0006507. Disease mechanism: loss of function.

Allele frequency attached by ClinVar (database versions not stated): TOPMed below 0.00001; gnomAD 0.00001.

Submission:

Labcorp Genetics (formerly Invitae), Labcorp
Classification: Pathogenic for Hereditary hemochromatosis. Last evaluated: 2022-03-31. Review status: criteria provided, single submitter. Criteria: Invitae Variant Classification Sherloc (09022015). Collection method: clinical testing. Allele origin: germline.
Comment: This sequence change creates a premature translational stop signal (p.Gly430Argfs*13) in the TFR2 gene. It is expected to result in an absent or disrupted protein product. Loss-of-function variants in TFR2 are known to be pathogenic (PMID: 23600741, 26029709). This variant is not present in population databases (gnomAD no frequency). This variant has not been reported in the literature in individuals affected with TFR2-related conditions. For these reasons, this variant has been classified as Pathogenic.

Literature cited by the submitters: PubMed 23600741; PubMed 26029709.